The following is an entry in ClinVar:

NM_015629.4(PRPF31):c.1A>G (p.Met1Val)

Gene: PRPF31 (pre-mRNA processing factor 31; plus strand). Cytogenetic location: 19q13.42.
Variant type: single nucleotide variant.
Coding change: c.1A>G on transcript NM_015629.4 (MANE Select); coding-DNA position 1, A replaced by G.
Protein change: p.Met1Val; changes the start codon (methionine 1).
Molecular consequence: missense variant, initiator codon variant.
Genome position (GRCh38, 1-based): chr19:54,118,279, A>G. VCF-style: chr19-54118279-A-G. GRCh37 (hg19) VCF-style: chr19-54621659-A-G.
Other names: short protein forms M1V.
Identifiers: ClinVar variation 3235232 (VCV003235232.1), dbSNP rs1555791188.

ClinVar aggregate classification (germline): Pathogenic (1 of 4 stars; one submission).

Conditions:
Retinitis pigmentosa 11 (RP11). Identifiers: Orphanet 791, MedGen C1838601, MONDO:0010828, OMIM 600138.

Submission:

MVZ Medizinische Genetik Mainz
Classification: Pathogenic for Retinitis pigmentosa 11. Last evaluated: 2021-11-03. Review status: criteria provided, single submitter. Criteria: UK Practice Guidelines For Variant Classification V4 01 2020. Collection method: clinical testing. Allele origin: germline. Inheritance: Autosomal dominant inheritance. Affected: yes. Observed: 1 variant allele.
Comment: ACMG Criteria: PVS1, PM5, PM2_SUP, PP4 (ACMG Version 3)